The following is an entry in ClinVar:

ClinVar aggregate classification (germline): Uncertain significance. Review status: criteria provided, multiple submitters, no conflicts (2 of 4 stars). 2 submissions from 2 submitters: Uncertain significance (2). Last evaluated 2026-07-06.

Conditions:
Hereditary cancer-predisposing syndrome. Also called: Tumor predisposition; Hereditary Cancer Syndrome; Hereditary neoplastic syndrome; Neoplastic Syndromes, Hereditary. Identifiers: Orphanet 140162, MedGen C0027672, MeSH D009386, MONDO:0015356.

Submissions (2):

Ambry Genetics
Classification: Uncertain significance for Hereditary cancer-predisposing syndrome. Last evaluated: 2026-07-06. Review status: criteria provided, single submitter. Criteria: Ambry Variant Classification Scheme 2023. Collection method: clinical testing. Allele origin: germline.
Comment: The p.V864E variant (also known as c.2591T>A), located in coding exon 18 of the BRIP1 gene, results from a T to A substitution at nucleotide position 2591. The valine at codon 864 is replaced by glutamic acid, an amino acid with dissimilar properties. This amino acid position is conserved. In addition, this alteration is predicted to be deleterious by in silico analysis. Based on the available evidence, the clinical significance of this variant remains unclear.

GeneDx
Classification: Uncertain significance. Last evaluated: 2023-10-25. Review status: criteria provided, single submitter. Criteria: GeneDx Variant Classification Process June 2021. Collection method: clinical testing. Allele origin: germline. Affected: yes.
Comment: Not observed at significant frequency in large population cohorts (gnomAD); In silico analysis supports that this missense variant has a deleterious effect on protein structure/function; Has not been previously published as pathogenic or benign to our knowledge

NM_032043.3(BRIP1):c.2591T>A (p.Val864Glu)

Gene: BRIP1 (BRCA1 interacting DNA helicase 1; minus strand). Cytogenetic location: 17q23.2.
Variant type: single nucleotide variant.
Coding change: c.2591T>A on transcript NM_032043.3 (MANE Select); coding-DNA position 2591, T replaced by A.
Protein change: p.Val864Glu; replaces valine 864 with glutamic acid.
Molecular consequence: missense variant.
Genome position (GRCh38, 1-based): chr17:61,686,150, A>T on the plus strand (T>A on the coding strand, the complement: BRIP1 is on the minus strand). VCF-style: chr17-61686150-A-T. GRCh37 (hg19) VCF-style: chr17-59763511-A-T.
Other names: short protein forms V864E.
Identifiers: ClinVar variation 3363509 (VCV003363509.2).